The following is an entry in ClinVar:

NM_001042492.3(NF1):c.8495G>T (p.Arg2832Leu)

Gene: NF1 (neurofibromin 1; plus strand). Cytogenetic location: 17q11.2.
Variant type: single nucleotide variant.
Coding change: c.8495G>T on transcript NM_001042492.3 (MANE Select); coding-DNA position 8495, G replaced by T.
Protein change: p.Arg2832Leu; replaces arginine 2832 with leucine.
Molecular consequence: missense variant.
Genome position (GRCh38, 1-based): chr17:31,374,130, G>T. VCF-style: chr17-31374130-G-T. GRCh37 (hg19) VCF-style: chr17-29701148-G-T.
Other names: c.8432G>T, p.Arg2811Leu (NM_000267.4); short protein forms R2811L, R2832L.
Identifiers: ClinVar variation 2964231 (VCV002964231.5), dbSNP rs587781523, ClinGen allele CA399206101.

ClinVar aggregate classification (germline): Uncertain significance. Review status: criteria provided, multiple submitters, no conflicts (2 of 4 stars). 2 submissions from 2 submitters: Uncertain significance (2). Last evaluated 2026-04-01.

Conditions:
Neurofibromatosis, type 1 (NF1). Also called: Peripheral type neurofibromatosis; NEUROFIBROMATOSIS, TYPE I, SOMATIC; VON RECKLINGHAUSEN DISEASE; Neurofibromatosis, type I. Identifiers: Orphanet 636, MedGen C0027831, MONDO:0018975, OMIM 162200. Disease mechanism: loss of function.

gnomAD v4.1: 1 of 1,614,064 alleles (0.000062%); highest among the groups gnomAD compares: Non-Finnish European, 0.000085%; no homozygotes.

Submissions (2):

CeGaT Center for Human Genetics Tuebingen
Classification: Uncertain significance. Last evaluated: 2026-04-01. Review status: criteria provided, single submitter. Criteria: CeGaT Center For Human Genetics Tuebingen Variant Classification Criteria Version 2. Collection method: clinical testing. Allele origin: germline. Affected: yes. Observed: 1 variant allele.
Comment: NF1: PM2

Labcorp Genetics (formerly Invitae), Labcorp
Classification: Uncertain significance for Neurofibromatosis, type 1. Last evaluated: 2023-04-20. Review status: criteria provided, single submitter. Criteria: Invitae Variant Classification Sherloc (09022015). Collection method: clinical testing. Allele origin: germline.
Comment: In summary, the available evidence is currently insufficient to determine the role of this variant in disease. Therefore, it has been classified as a Variant of Uncertain Significance. Advanced modeling of protein sequence and biophysical properties (such as structural, functional, and spatial information, amino acid conservation, physicochemical variation, residue mobility, and thermodynamic stability) has been performed at Invitae for this missense variant, however the output from this modeling did not meet the statistical confidence thresholds required to predict the impact of this variant on NF1 protein function. This variant has not been reported in the literature in individuals affected with NF1-related conditions. This variant is not present in population databases (gnomAD no frequency). This sequence change replaces arginine, which is basic and polar, with leucine, which is neutral and non-polar, at codon 2811 of the NF1 protein (p.Arg2811Leu).